The following is an entry in ClinVar:

NM_000179.3(MSH6):c.2802C>T (p.Asp934=)

Gene: MSH6 (mutS homolog 6; plus strand). Cytogenetic location: 2p16.3.
Variant type: single nucleotide variant.
Coding change: c.2802C>T on transcript NM_000179.3 (MANE Select); coding-DNA position 2802, C replaced by T.
Protein change: p.Asp934=; no amino-acid change (aspartic acid 934 retained).
Molecular consequence: synonymous variant.
Genome position (GRCh38, 1-based): chr2:47,800,785, C>T. VCF-style: chr2-47800785-C-T. GRCh37 (hg19) VCF-style: chr2-48027924-C-T.
Other names: c.2412C>T, p.Asp804= (NM_001281492.2); c.1896C>T, p.Asp632= (NM_001281493.2, NM_001281494.2).
Identifiers: ClinVar variation 1602182 (VCV001602182.13), dbSNP rs1669512732, ClinGen allele CA426121740.

ClinVar aggregate classification (germline): Benign/Likely benign. Review status: criteria provided, multiple submitters, no conflicts (2 of 4 stars). 5 submissions from 5 submitters: Benign (1); Likely benign (4). Last evaluated 2025-07-31.

Conditions:
Hereditary nonpolyposis colorectal neoplasms. Identifiers: MedGen C0009405, MeSH D003123.
Hereditary cancer-predisposing syndrome. Also called: Tumor predisposition; Hereditary neoplastic syndrome; Neoplastic Syndromes, Hereditary; Hereditary Cancer Syndrome. Identifiers: Orphanet 140162, MedGen C0027672, MeSH D009386, MONDO:0015356.
Lynch syndrome 5 (LYNCH5). Also called: Colorectal cancer, hereditary nonpolyposis, type 5; Hereditary non-polyposis colorectal cancer, type 5. Identifiers: Orphanet 144, MedGen C1833477, MONDO:0013710, OMIM 614350. Disease mechanism: loss of function.

Submissions (5):

Labcorp Genetics (formerly Invitae), Labcorp
Classification: Likely benign for Hereditary nonpolyposis colorectal neoplasms. Last evaluated: 2025-07-31. Review status: criteria provided, single submitter. Criteria: Invitae Variant Classification Sherloc (09022015). Collection method: clinical testing. Allele origin: germline.

Women's Health and Genetics/Laboratory Corporation of America, LabCorp
Classification: Likely benign. Last evaluated: 2025-04-06. Review status: criteria provided, single submitter. Criteria: LabCorp Variant Classification Summary - May 2015. Collection method: clinical testing. Allele origin: germline.

Myriad Genetics, Inc.
Classification: Benign for Lynch syndrome 5. Last evaluated: 2025-01-03. Review status: criteria provided, single submitter. Criteria: Myriad Autosomal Dominant, Autosomal Recessive and X-Linked Classification Criteria (2023). Collection method: clinical testing. Allele origin: unknown.
Comment: This variant is considered benign. This variant is a silent/synonymous amino acid change and it is not expected to impact splicing.

Color Diagnostics, LLC DBA Color Health
Classification: Likely benign for Hereditary cancer-predisposing syndrome. Last evaluated: 2022-11-06. Review status: criteria provided, single submitter. Criteria: ACMG Guidelines, 2015. Collection method: clinical testing. Allele origin: germline.

Ambry Genetics
Classification: Likely benign for Hereditary cancer-predisposing syndrome. Last evaluated: 2021-10-25. Review status: criteria provided, single submitter. Criteria: Ambry Variant Classification Scheme 2023. Collection method: clinical testing. Allele origin: germline.